The following is an entry in ClinVar:

NM_144596.4(TTC8):c.330-15T>A

Gene: TTC8 (tetratricopeptide repeat domain 8; plus strand). Cytogenetic location: 14q31.3.
Variant type: single nucleotide variant.
Coding change: c.330-15T>A on transcript NM_144596.4 (MANE Select); 15 bases into the intron before coding-DNA position 330, T replaced by A.
Molecular consequence: intron variant.
Genome position (GRCh38, 1-based): chr14:88,841,022, T>A. VCF-style: chr14-88841022-T-A. GRCh37 (hg19) VCF-style: chr14-89307366-T-A.
Other names: c.-263-15T>A (NM_001288782.1); c.300-15T>A (NM_001288781.1, NM_198309.3, NM_198310.3 and 2 more transcripts); c.-358-15T>A (NM_001288783.1).
Identifiers: ClinVar variation 314799 (VCV000314799.15), dbSNP rs187484893, ClinGen allele CA7302443.
Genomic context (GRCh38, chr14:88,841,022, plus strand): 5'-AATATTGATCAGACTGTATGAGAGTCTTTCCTCAAATGATCTTCTTTGTATTATAACAAT[T>A]TATAATCTTCACAGGCCAATCACACAAGCTGGAAGACCCATTACAGGTTTCCTCAGGCCC-3'

ClinVar aggregate classification (germline): Conflicting classifications of pathogenicity. Review status: criteria provided, conflicting classifications (1 of 4 stars). 4 submissions from 3 submitters: Uncertain significance (1); Benign (2); Likely benign (1). Last evaluated 2026-02-02.

Conditions:
Bardet-Biedl syndrome 8 (BBS8). Identifiers: Orphanet 110, MedGen C1859566, MONDO:0014436, OMIM 615985.
Retinitis pigmentosa (RP). Identifiers: Orphanet 791, MedGen C0035334, MeSH D012174, MONDO:0019200, OMIM 268000. Inheritance: Autosomal dominant, autosomal recessive and X linked inheritance.
Bardet-Biedl syndrome (BBS). Identifiers: Orphanet 110, MedGen C0752166, MONDO:0015229.

Allele frequency attached by ClinVar (database versions not stated): ESP Exome Variant Server 0.00008; gnomAD 0.00059 and 0.00070; gnomAD exomes 0.00062 and 0.00167; TOPMed 0.00098; ExAC 0.00151; 1000 Genomes Project 30x 0.00172; 1000 Genomes Project 0.00220.
gnomAD v4.1: 1,072 of 1,614,104 alleles (0.066%); highest among the groups gnomAD compares: East Asian, 2.1%; 13 homozygotes.

Submissions (7):

Labcorp Genetics (formerly Invitae), Labcorp
Classification: Benign for Bardet-Biedl syndrome. Last evaluated: 2026-02-02. Review status: criteria provided, single submitter. Criteria: Invitae Variant Classification Sherloc (09022015). Collection method: clinical testing. Allele origin: germline.

Blueprint Genetics
Classification: Likely benign. Last evaluated: 2024-11-27. Review status: criteria provided, single submitter. Criteria: ACMG Guidelines, 2015. Collection method: clinical testing. Allele origin: germline.

Illumina Laboratory Services, Illumina
Classification: Benign for Bardet-Biedl syndrome 8. Last evaluated: 2018-01-13. Review status: criteria provided, single submitter. Criteria: ICSL Variant Classification Criteria 13 December 2019. Collection method: clinical testing. Allele origin: germline.
Comment: This variant was observed in the ICSL laboratory as part of a predisposition screen in an ostensibly healthy population. It had not been previously curated by ICSL or reported in the Human Gene Mutation Database (HGMD: prior to June 1st, 2018), and was therefore a candidate for classification through an automated scoring system. Utilizing variant allele frequency, disease prevalence and penetrance estimates, and inheritance mode, an automated score was calculated to assess if this variant is too frequent to cause the disease. Based on the score and internal cut-off values, a variant classified as benign is not then subjected to further curation. The score for this variant resulted in a classification of benign for this disease.

Illumina Laboratory Services, Illumina
Classification: Uncertain significance for Retinitis pigmentosa. Last evaluated: 2018-01-13. Review status: criteria provided, single submitter. Criteria: ICSL Variant Classification Criteria 13 December 2019. Collection method: clinical testing. Allele origin: germline.

Dr. Peter K. Rogan Lab, Western University
No classification provided (evidence only). Condition: Gastric cancer. Review status: no classification provided. Collection method: in vitro. Allele origin: not applicable. Functional consequence: retained intron. Not counted in ClinVar's aggregate classification.

Dr. Peter K. Rogan Lab, Western University
No classification provided (evidence only). Condition: Malignant tumor of esophagus. Review status: no classification provided. Collection method: in vitro. Allele origin: not applicable. Functional consequence: retained intron. Not counted in ClinVar's aggregate classification.

Dr. Peter K. Rogan Lab, Western University
No classification provided (evidence only). Condition: Malignant tumor of esophagus. Review status: no classification provided. Collection method: in vitro. Allele origin: not applicable. Functional consequence: retained intron. Not counted in ClinVar's aggregate classification.